The following is an entry in ClinVar:

NM_017570.5(OPLAH):c.11C>T (p.Pro4Leu)

Gene: OPLAH (5-oxoprolinase, ATP-hydrolysing; minus strand). Cytogenetic location: 8q24.3.
Variant type: single nucleotide variant.
Coding change: c.11C>T on transcript NM_017570.5 (MANE Select); coding-DNA position 11, C replaced by T.
Protein change: p.Pro4Leu; replaces proline 4 with leucine.
Molecular consequence: missense variant.
Genome position (GRCh38, 1-based): chr8:144,060,022, G>A on the plus strand (C>T on the coding strand, the complement: OPLAH is on the minus strand). VCF-style: chr8-144060022-G-A. GRCh37 (hg19) VCF-style: chr8-145114925-G-A.
Other names: short protein forms P4L.
Identifiers: ClinVar variation 1407416 (VCV001407416.6), dbSNP rs1461320056, ClinGen allele CA372578518.

ClinVar aggregate classification (germline): Uncertain significance (1 of 4 stars; one submission).

Conditions:
5-Oxoprolinase deficiency (OPLAHD). Also called: 5-OXOPROLINURIA DUE TO 5-OXOPROLINASE DEFICIENCY. Identifiers: Orphanet 33572, MedGen C0268525, MONDO:0009825, OMIM 260005, HP:0040142.

Allele frequency attached by ClinVar (database versions not stated): gnomAD 0.00001.
gnomAD v4.1: 1 of 1,611,952 alleles (0.000062%); highest among the groups gnomAD compares: East Asian, 0.0022%; no homozygotes.

Submission:

Labcorp Genetics (formerly Invitae), Labcorp
Classification: Uncertain significance for 5-Oxoprolinase deficiency. Last evaluated: 2021-08-14. Review status: criteria provided, single submitter. Criteria: Invitae Variant Classification Sherloc (09022015). Collection method: clinical testing. Allele origin: germline.
Comment: This sequence change replaces proline with leucine at codon 4 of the OPLAH protein (p.Pro4Leu). The proline residue is weakly conserved and there is a moderate physicochemical difference between proline and leucine. This variant is not present in population databases (ExAC no frequency). This variant has not been reported in the literature in individuals affected with OPLAH-related conditions. Experimental studies and prediction algorithms are not available or were not evaluated, and the functional significance of this variant is currently unknown. In summary, the available evidence is currently insufficient to determine the role of this variant in disease. Therefore, it has been classified as a Variant of Uncertain Significance.